The following is an entry in ClinVar:

ClinVar aggregate classification (germline): Uncertain significance. Review status: criteria provided, multiple submitters, no conflicts (2 of 4 stars). 3 submissions from 3 submitters: Uncertain significance (3). Last evaluated 2023-09-25.

Conditions:
Inborn genetic diseases. Identifiers: MedGen C0950123, MeSH D030342.
Congenital stationary night blindness 1D. Also called: Night blindness, congenital stationary (complete), 1D, autosomal recessive. Identifiers: Orphanet 215, MedGen C3151193, MONDO:0013450, OMIM 613830.

Allele frequency attached by ClinVar (database versions not stated): TOPMed 0.00001.
gnomAD v4.1: 6 of 1,613,674 alleles (0.00037%); highest among the groups gnomAD compares: East Asian, 0.0022%; no homozygotes.

Submissions (3):

Ambry Genetics
Classification: Uncertain significance for Inborn genetic diseases. Last evaluated: 2023-09-25. Review status: criteria provided, single submitter. Criteria: Ambry Variant Classification Scheme 2023. Collection method: clinical testing. Allele origin: germline.

Labcorp Genetics (formerly Invitae), Labcorp
Classification: Uncertain significance. Last evaluated: 2022-11-07. Review status: criteria provided, single submitter. Criteria: Invitae Variant Classification Sherloc (09022015). Collection method: clinical testing. Allele origin: germline.
Comment: In summary, the available evidence is currently insufficient to determine the role of this variant in disease. Therefore, it has been classified as a Variant of Uncertain Significance. Algorithms developed to predict the effect of missense changes on protein structure and function output the following: SIFT: "Tolerated"; PolyPhen-2: "Benign"; Align-GVGD: "Class C0". The isoleucine amino acid residue is found in multiple mammalian species, which suggests that this missense change does not adversely affect protein function. ClinVar contains an entry for this variant (Variation ID: 316789). This variant has not been reported in the literature in individuals affected with SLC24A1-related conditions. The frequency data for this variant in the population databases is considered unreliable, as metrics indicate poor data quality at this position in the gnomAD database. This sequence change replaces methionine, which is neutral and non-polar, with isoleucine, which is neutral and non-polar, at codon 74 of the SLC24A1 protein (p.Met74Ile).

Illumina Laboratory Services, Illumina
Classification: Uncertain significance for Congenital stationary night blindness 1D. Last evaluated: 2018-01-13. Review status: criteria provided, single submitter. Criteria: ICSL Variant Classification Criteria 13 December 2019. Collection method: clinical testing. Allele origin: germline.

NM_004727.3(SLC24A1):c.222G>T (p.Met74Ile)

Gene: SLC24A1 (solute carrier family 24 member 1; plus strand). Cytogenetic location: 15q22.31.
Variant type: single nucleotide variant.
Coding change: c.222G>T on transcript NM_004727.3 (MANE Select); coding-DNA position 222, G replaced by T.
Protein change: p.Met74Ile; replaces methionine 74 with isoleucine.
Molecular consequence: missense variant.
Genome position (GRCh38, 1-based): chr15:65,624,302, G>T. VCF-style: chr15-65624302-G-T. GRCh37 (hg19) VCF-style: chr15-65916640-G-T.
Other names: c.222G>T, p.Met74Ile (NM_001301031.1, NM_001301032.1, NM_001301033.2); short protein forms M74I.
Identifiers: ClinVar variation 316789 (VCV000316789.11), dbSNP rs370527618, ClinGen allele CA10642364.